The following is an entry in ClinVar:

NM_001378457.1(DMXL2):c.7709C>G (p.Pro2570Arg)

Gene: DMXL2 (Dmx like 2; minus strand). Cytogenetic location: 15q21.2.
Variant type: single nucleotide variant.
Coding change: c.7709C>G on transcript NM_001378457.1 (MANE Select); coding-DNA position 7709, C replaced by G.
Protein change: p.Pro2570Arg; replaces proline 2570 with arginine.
Molecular consequence: missense variant. On other transcripts: non-coding transcript variant (1), intron variant (2).
Genome position (GRCh38, 1-based): chr15:51,464,774, G>C on the plus strand (C>G on the coding strand, the complement: DMXL2 is on the minus strand). VCF-style: chr15-51464774-G-C. GRCh37 (hg19) VCF-style: chr15-51756971-G-C.
Other names: c.7709C>G, p.Pro2570Arg (NM_001174116.3, NM_001378461.1); c.5798C>G, p.Pro1933Arg (NM_001174117.3); c.7706C>G, p.Pro2569Arg (NM_001378458.1, NM_001378462.1, NM_015263.5); c.5687C>G, p.Pro1896Arg (NM_001378460.1); c.7466C>G, p.Pro2489Arg (NM_001378464.1); c.7521-1278C>G (NM_001378459.1); c.7606+792C>G (NM_001378463.1); c.7709C>G (NM_001174116.1); short protein forms P1896R, P2489R, P1933R, P2569R, P2570R.
Identifiers: ClinVar variation 2069296 (VCV002069296.3), dbSNP rs200591092, ClinGen allele CA7561246.

ClinVar aggregate classification (germline): Uncertain significance. Review status: criteria provided, multiple submitters, no conflicts (2 of 4 stars). 3 submissions from 3 submitters: Uncertain significance (3). Last evaluated 2024-06-24.

Conditions:
Inborn genetic diseases. Identifiers: MedGen C0950123, MeSH D030342.

Allele frequency attached by ClinVar (database versions not stated): gnomAD 0.00003; TOPMed 0.00004; gnomAD exomes 0.00006; ExAC 0.00007; ESP Exome Variant Server 0.00008.
gnomAD v4.1: 95 of 1,614,012 alleles (0.0059%); highest among the groups gnomAD compares: Non-Finnish European, 0.008%; no homozygotes.

Submissions (3):

GeneDx
Classification: Uncertain significance. Last evaluated: 2024-06-24. Review status: criteria provided, single submitter. Criteria: GeneDx Variant Classification Process June 2021. Collection method: clinical testing. Allele origin: germline. Affected: yes.
Comment: In silico analysis supports that this missense variant has a deleterious effect on protein structure/function; Has not been previously published as pathogenic or benign to our knowledge

Ambry Genetics
Classification: Uncertain significance for Inborn genetic diseases. Last evaluated: 2023-12-12. Review status: criteria provided, single submitter. Criteria: Ambry Variant Classification Scheme 2023. Collection method: clinical testing. Allele origin: germline.

Labcorp Genetics (formerly Invitae), Labcorp
Classification: Uncertain significance. Last evaluated: 2022-10-10. Review status: criteria provided, single submitter. Criteria: Invitae Variant Classification Sherloc (09022015). Collection method: clinical testing. Allele origin: germline.
Comment: This sequence change replaces proline, which is neutral and non-polar, with arginine, which is basic and polar, at codon 2570 of the DMXL2 protein (p.Pro2570Arg). This variant is present in population databases (rs200591092, gnomAD 0.01%). This variant has not been reported in the literature in individuals affected with DMXL2-related conditions. Algorithms developed to predict the effect of missense changes on protein structure and function are either unavailable or do not agree on the potential impact of this missense change (SIFT: "Tolerated"; PolyPhen-2: "Probably Damaging"; Align-GVGD: "Class C0"). In summary, the available evidence is currently insufficient to determine the role of this variant in disease. Therefore, it has been classified as a Variant of Uncertain Significance.